The following is an entry in ClinVar:

ClinVar aggregate classification (germline): Uncertain significance (1 of 4 stars; one submission).

Submission:

Labcorp Genetics (formerly Invitae), Labcorp
Classification: Uncertain significance. Last evaluated: 2022-07-03. Review status: criteria provided, single submitter. Criteria: Invitae Variant Classification Sherloc (09022015). Collection method: clinical testing. Allele origin: germline.
Comment: This variant is not present in population databases (gnomAD no frequency). This sequence change replaces aspartic acid, which is acidic and polar, with asparagine, which is neutral and polar, at codon 68 of the CDCA7 protein (p.Asp68Asn). This variant has not been reported in the literature in individuals affected with CDCA7-related conditions. In summary, the available evidence is currently insufficient to determine the role of this variant in disease. Therefore, it has been classified as a Variant of Uncertain Significance. Algorithms developed to predict the effect of missense changes on protein structure and function are either unavailable or do not agree on the potential impact of this missense change (SIFT: "Deleterious"; PolyPhen-2: "Possibly Damaging"; Align-GVGD: "Class C0"). ClinVar contains an entry for this variant (Variation ID: 1469862).

NM_031942.5(CDCA7):c.202G>A (p.Asp68Asn)

Gene: CDCA7 (cell division cycle associated 7; plus strand). Cytogenetic location: 2q31.1.
Variant type: single nucleotide variant.
Coding change: c.202G>A on transcript NM_031942.5 (MANE Select); coding-DNA position 202, G replaced by A.
Protein change: p.Asp68Asn; replaces aspartic acid 68 with asparagine.
Molecular consequence: missense variant. On other transcripts: intron variant (1).
Genome position (GRCh38, 1-based): chr2:173,359,309, G>A. VCF-style: chr2-173359309-G-A. GRCh37 (hg19) VCF-style: chr2-174224037-G-A.
Other names: c.147+472G>A (NM_145810.3); short protein forms D68N.
Identifiers: ClinVar variation 1469862 (VCV001469862.8), dbSNP rs1686575718, ClinGen allele CA349321200.